The following is an entry in ClinVar:

ClinVar aggregate classification (germline): Benign/Likely benign. Review status: criteria provided, multiple submitters, no conflicts (2 of 4 stars). 3 submissions from 3 submitters: Benign (1); Likely benign (2). Last evaluated 2026-02-08.

Conditions:
Hereditary cancer-predisposing syndrome. Also called: Tumor predisposition; Neoplastic Syndromes, Hereditary; Hereditary Cancer Syndrome; Hereditary neoplastic syndrome. Identifiers: Orphanet 140162, MedGen C0027672, MeSH D009386, MONDO:0015356.
Familial cancer of breast. Also called: hereditary breast carcinoma; Hereditary breast cancer; BREAST CANCER, FAMILIAL. Identifiers: Orphanet 227535, MedGen C0346153, MONDO:0016419, OMIM 114480. Disease mechanism: loss of function.
Ataxia-telangiectasia syndrome (AT). Also called: Ataxia-telangiectasia, complementation group D; AT, COMPLEMENTATION GROUP C; Ataxia-telangiectasia; Ataxia telangiectasia (A-T); ATAXIA-TELANGIECTASIA, COMPLEMENTATION GROUP A; ATAXIA-TELANGIECTASIA, FRESNO VARIANT. Identifiers: Orphanet 100, MedGen C0004135, MONDO:0008840, OMIM 208900.

Submissions (3):

Ambry Genetics
Classification: Likely benign for Hereditary cancer-predisposing syndrome. Last evaluated: 2026-02-08. Review status: criteria provided, single submitter. Criteria: Ambry Variant Classification Scheme 2023. Collection method: clinical testing. Allele origin: germline.

Myriad Genetics, Inc.
Classification: Benign for Familial cancer of breast. Last evaluated: 2024-05-15. Review status: criteria provided, single submitter. Criteria: Myriad Autosomal Dominant, Autosomal Recessive and X-Linked Classification Criteria (2023). Collection method: clinical testing. Allele origin: unknown.
Comment: This variant is considered benign. This variant is a silent/synonymous amino acid change and it is not expected to impact splicing.

Labcorp Genetics (formerly Invitae), Labcorp
Classification: Likely benign for Ataxia-telangiectasia syndrome. Last evaluated: 2022-01-14. Review status: criteria provided, single submitter. Criteria: Invitae Variant Classification Sherloc (09022015). Collection method: clinical testing. Allele origin: germline.

NM_000051.4(ATM):c.3582A>G (p.Leu1194=)

Gene: ATM (ATM serine/threonine kinase; plus strand). Cytogenetic location: 11q22.3.
Variant type: single nucleotide variant.
Coding change: c.3582A>G on transcript NM_000051.4 (MANE Select); coding-DNA position 3582, A replaced by G.
Protein change: p.Leu1194=; no amino-acid change (leucine 1194 retained).
Molecular consequence: synonymous variant.
Genome position (GRCh38, 1-based): chr11:108,282,715, A>G. VCF-style: chr11-108282715-A-G. GRCh37 (hg19) VCF-style: chr11-108153442-A-G.
Other names: c.3582A>G, p.Leu1194= (NM_001351834.2).
Identifiers: ClinVar variation 758888 (VCV000758888.11), dbSNP rs1591640938, ClinGen allele CA476673197.